The following is an entry in ClinVar:

NM_000532.5(PCCB):c.372+4T>C

Gene: PCCB (propionyl-CoA carboxylase subunit beta; plus strand). Cytogenetic location: 3q22.3.
Variant type: single nucleotide variant.
Coding change: c.372+4T>C on transcript NM_000532.5 (MANE Select); 4 bases into the intron after coding-DNA position 372, T replaced by C.
Molecular consequence: intron variant.
Genome position (GRCh38, 1-based): chr3:136,256,627, T>C. VCF-style: chr3-136256627-T-C. GRCh37 (hg19) VCF-style: chr3-135975469-T-C.
Other names: c.372+4T>C (NM_001178014.2).
Identifiers: ClinVar variation 2170485 (VCV002170485.1), dbSNP rs755664332, ClinGen allele CA84266342.
Genomic context (GRCh38, chr3:136,256,627, plus strand): 5'-AGCGTGGTCACTGGACGAGGCCGAATCAATGGAAGATTGGTTTATGTCTTCAGTCAGGTA[T>C]TTCATAACTCCAATAGTCTGAACTTTTCTTGGAGGGCAGAGCCAAGAGGAAAATATGTGA-3'

ClinVar aggregate classification (germline): Uncertain significance (1 of 4 stars; one submission).

Conditions:
Propionic acidemia (PROP). Also called: GLYCINEMIA, KETOTIC; HYPERGLYCINEMIA WITH KETOACIDOSIS AND LEUKOPENIA; KETOTIC HYPERGLYCINEMIA. Identifiers: Orphanet 35, MedGen C0268579, MONDO:0011628, OMIM 606054, HP:0003571.

Allele frequency attached by ClinVar (database versions not stated): gnomAD 0.00002; TOPMed 0.00003.
gnomAD v4.1: 7 of 1,596,318 alleles (0.00044%); highest among the groups gnomAD compares: African/African-American, 0.0094%; no homozygotes.

Submission:

Labcorp Genetics (formerly Invitae), Labcorp
Classification: Uncertain significance for Propionic acidemia. Last evaluated: 2022-06-10. Review status: criteria provided, single submitter. Criteria: Invitae Variant Classification Sherloc (09022015). Collection method: clinical testing. Allele origin: germline.
Comment: This sequence change falls in intron 3 of the PCCB gene. It does not directly change the encoded amino acid sequence of the PCCB protein. It affects a nucleotide within the consensus splice site. This variant is present in population databases (no rsID available, gnomAD 0.02%). This variant has not been reported in the literature in individuals affected with PCCB-related conditions. Variants that disrupt the consensus splice site are a relatively common cause of aberrant splicing (PMID: 17576681, 9536098). Algorithms developed to predict the effect of sequence changes on RNA splicing suggest that this variant is not likely to affect RNA splicing. In summary, the available evidence is currently insufficient to determine the role of this variant in disease. Therefore, it has been classified as a Variant of Uncertain Significance.

Literature cited by the submitters: PubMed 17576681; PubMed 9536098.